The following is an entry in ClinVar:

NM_031433.4(MFRP):c.667A>G (p.Thr223Ala)

Genes: C1QTNF5 (C1q and TNF related 5; minus strand), MFRP (membrane frizzled-related protein; minus strand). Cytogenetic location: 11q23.3.
Variant type: single nucleotide variant.
Coding change: c.667A>G on transcript NM_031433.4 (MANE Select); coding-DNA position 667, A replaced by G.
Protein change: p.Thr223Ala; replaces threonine 223 with alanine.
Molecular consequence: missense variant. On other transcripts: 5 prime UTR variant (1).
Genome position (GRCh38, 1-based): chr11:119,344,979, T>C on the plus strand (A>G on the coding strand, the complement: MFRP is on the minus strand). VCF-style: chr11-119344979-T-C. GRCh37 (hg19) VCF-style: chr11-119215689-T-C.
Other names: c.-1970A>G (NM_015645.5); short protein forms T223A.
Identifiers: ClinVar variation 3628898 (VCV003628898.2).

ClinVar aggregate classification (germline): Uncertain significance (1 of 4 stars; one submission).

Conditions:
Isolated microphthalmia 5. Also called: Posterior Microphthalmia with Retinitis Pigmentosa, Foveoschisis, and Optic Disc Drusen. Identifiers: Orphanet 251279, MedGen C1970236, MONDO:0012605, OMIM 611040.

Submission:

Labcorp Genetics (formerly Invitae), Labcorp
Classification: Uncertain significance for Isolated microphthalmia 5. Last evaluated: 2024-09-27. Review status: criteria provided, single submitter. Criteria: Invitae Variant Classification Sherloc (09022015). Collection method: clinical testing. Allele origin: germline.
Comment: This sequence change replaces threonine, which is neutral and polar, with alanine, which is neutral and non-polar, at codon 223 of the MFRP protein (p.Thr223Ala). This variant is not present in population databases (gnomAD no frequency). This variant has not been reported in the literature in individuals affected with MFRP-related conditions. Invitae Evidence Modeling of protein sequence and biophysical properties (such as structural, functional, and spatial information, amino acid conservation, physicochemical variation, residue mobility, and thermodynamic stability) indicates that this missense variant is expected to disrupt MFRP protein function with a positive predictive value of 80%. In summary, the available evidence is currently insufficient to determine the role of this variant in disease. Therefore, it has been classified as a Variant of Uncertain Significance.